The following is an entry in ClinVar:

NM_000038.6(APC):c.193C>A (p.Gln65Lys)

Gene: APC (APC regulator of Wnt signaling pathway; plus strand). Cytogenetic location: 5q22.2.
Variant type: single nucleotide variant.
Coding change: c.193C>A on transcript NM_000038.6 (MANE Select); coding-DNA position 193, C replaced by A.
Protein change: p.Gln65Lys; replaces glutamine 65 with lysine.
Molecular consequence: missense variant. On other transcripts: 5 prime UTR variant (1).
Genome position (GRCh38, 1-based): chr5:112,766,383, C>A. VCF-style: chr5-112766383-C-A. GRCh37 (hg19) VCF-style: chr5-112102080-C-A.
Other names: c.193C>A, p.Gln65Lys (NM_001127510.3, NM_001354895.2, NM_001354896.2 and 2 more transcripts); c.223C>A, p.Gln75Lys (NM_001127511.3, NM_001354897.2, NM_001354902.2); c.118C>A, p.Gln40Lys (NM_001354898.2, NM_001354904.2); c.16C>A, p.Gln6Lys (NM_001354900.2, NM_001354901.2, NM_001354905.2); c.-843C>A (NM_001354906.2); short protein forms Q65K, Q75K, Q40K, Q6K.
Identifiers: ClinVar variation 217938 (VCV000217938.12), dbSNP rs863225320, ClinGen allele CA279799.

ClinVar aggregate classification (germline): Uncertain significance. Review status: criteria provided, multiple submitters, no conflicts (2 of 4 stars). 4 submissions from 4 submitters: Uncertain significance (3). 1 of the submissions does not count toward it. Last evaluated 2022-02-24.

Conditions:
Hereditary cancer-predisposing syndrome. Also called: Hereditary Cancer Syndrome; Hereditary neoplastic syndrome; Neoplastic Syndromes, Hereditary; Tumor predisposition. Identifiers: Orphanet 140162, MedGen C0027672, MeSH D009386, MONDO:0015356.
Familial adenomatous polyposis 1 (FAP1). Also called: FAMILIAL ADENOMATOUS POLYPOSIS 1, ATTENUATED; POLYPOSIS, ADENOMATOUS INTESTINAL. Identifiers: MedGen C2713442, MONDO:0021056, OMIM 175100. Disease mechanism: loss of function.

Submissions (4):

Ambry Genetics
Classification: Uncertain significance for Hereditary cancer-predisposing syndrome. Last evaluated: 2022-02-24. Review status: criteria provided, single submitter. Criteria: Ambry Variant Classification Scheme 2023. Collection method: clinical testing. Allele origin: germline.
Comment: The p.Q65K variant (also known as c.193C>A), located in coding exon 2 of the APC gene, results from a C to A substitution at nucleotide position 193. The glutamine at codon 65 is replaced by lysine, an amino acid with similar properties. This amino acid position is highly conserved in available vertebrate species. In addition, in silico predictors for this gene do not accurately predict pathogenicity. Since supporting evidence is limited at this time, the clinical significance of this alteration remains unclear.

Labcorp Genetics (formerly Invitae), Labcorp
Classification: Uncertain significance for Familial adenomatous polyposis 1. Last evaluated: 2021-10-05. Review status: criteria provided, single submitter. Criteria: Invitae Variant Classification Sherloc (09022015). Collection method: clinical testing. Allele origin: germline.
Comment: In summary, the available evidence is currently insufficient to determine the role of this variant in disease. Therefore, it has been classified as a Variant of Uncertain Significance. Algorithms developed to predict the effect of missense changes on protein structure and function (SIFT, PolyPhen-2, Align-GVGD) all suggest that this variant is likely to be tolerated. ClinVar contains an entry for this variant (Variation ID: 217938). This variant has not been reported in the literature in individuals affected with APC-related conditions. This variant is not present in population databases (ExAC no frequency). This sequence change replaces glutamine with lysine at codon 65 of the APC protein (p.Gln65Lys). The glutamine residue is highly conserved and there is a small physicochemical difference between glutamine and lysine.

Women's Health and Genetics/Laboratory Corporation of America, LabCorp
Classification: Uncertain significance. Last evaluated: 2016-09-26. Review status: criteria provided, single submitter. Criteria: LabCorp Variant Classification Summary - May 2015. Collection method: clinical testing. Allele origin: germline.
Comment: Variant summary: The APC c.193C>A (p.Gln65Lys) variant involves the alteration of a conserved nucleotide. 3/4 in silico tools predict a benign outcome for this variant (SNPs&GO not captured due to low reliability index). This variant is absent in 121020 control chromosomes. The variant of interest has not, to our knowledge, been reported in affected individuals via publications nor evaluated for functional impact by in vivo/vitro studies. One clinical lab has classified the variant as a VUS. Because of the absence of clinical information and the lack of functional studies, the variant is classified as a variant of uncertain significance (VUS) until additional information becomes available.

Mayo Clinic Laboratories, Mayo Clinic
Classification: Uncertain significance. Review status: no assertion criteria provided. Collection method: research. Allele origin: unknown. Observed: 1 variant allele. Not counted in ClinVar's aggregate classification.